The following is an entry in ClinVar:

NM_001458.5(FLNC):c.1418A>G (p.Asn473Ser)

Gene: FLNC (filamin C; plus strand). Cytogenetic location: 7q32.1.
Variant type: single nucleotide variant.
Coding change: c.1418A>G on transcript NM_001458.5 (MANE Select); coding-DNA position 1418, A replaced by G.
Protein change: p.Asn473Ser; replaces asparagine 473 with serine.
Molecular consequence: missense variant.
Genome position (GRCh38, 1-based): chr7:128,840,029, A>G. VCF-style: chr7-128840029-A-G. GRCh37 (hg19) VCF-style: chr7-128480083-A-G.
Other names: c.1418A>G, p.Asn473Ser (NM_001127487.2); c.1418A>G (NM_001458.4); short protein forms N473S.
Identifiers: ClinVar variation 1501078 (VCV001501078.9), dbSNP rs747289343, ClinGen allele CA4474340.

ClinVar aggregate classification (germline): Uncertain significance. Review status: criteria provided, multiple submitters, no conflicts (2 of 4 stars). 3 submissions from 3 submitters: Uncertain significance (3). Last evaluated 2026-01-13.

Conditions:
Cardiovascular phenotype. Identifiers: MedGen CN230736.
Myofibrillar myopathy 5. Also called: Filaminopathy (type); FILAMINOPATHY, AUTOSOMAL DOMINANT. Identifiers: Orphanet 171445, MedGen C1836050, MONDO:0012289, OMIM 609524.
Distal myopathy with posterior leg and anterior hand involvement. Also called: WILLIAMS DISTAL MYOPATHY. Identifiers: Orphanet 63273, MedGen C3279722, MONDO:0013550, OMIM 614065.
Hypertrophic cardiomyopathy 26. Also called: Cardiomyopathy, familial hypertrophic, 26. Identifiers: Orphanet 75249, MedGen C4310749, MONDO:0014883, OMIM 617047.

Allele frequency attached by ClinVar (database versions not stated): ExAC 0.00001; gnomAD 0.00001; TOPMed 0.00001.
gnomAD v4.1: 2 of 1,613,338 alleles (0.00012%); highest among the groups gnomAD compares: African/African-American, 0.0013%; no homozygotes.

Submissions (3):

Labcorp Genetics (formerly Invitae), Labcorp
Classification: Uncertain significance for Distal myopathy with posterior leg and anterior hand involvement; Myofibrillar myopathy 5; Hypertrophic cardiomyopathy 26. Last evaluated: 2026-01-13. Review status: criteria provided, single submitter. Criteria: Invitae Variant Classification Sherloc (09022015). Collection method: clinical testing. Allele origin: germline.
Comment: This sequence change replaces asparagine, which is neutral and polar, with serine, which is neutral and polar, at codon 473 of the FLNC protein (p.Asn473Ser). This variant is not present in population databases (gnomAD no frequency). This variant has not been reported in the literature in individuals affected with FLNC-related conditions. ClinVar contains an entry for this variant (Variation ID: 1501078). Invitae Evidence Modeling of protein sequence and biophysical properties (such as structural, functional, and spatial information, amino acid conservation, physicochemical variation, residue mobility, and thermodynamic stability) has been performed for this missense variant. However, the output from this modeling did not meet the statistical confidence thresholds required to predict the impact of this variant on FLNC protein function. In summary, the available evidence is currently insufficient to determine the role of this variant in disease. Therefore, it has been classified as a Variant of Uncertain Significance.

GeneDx
Classification: Uncertain significance. Last evaluated: 2025-06-18. Review status: criteria provided, single submitter. Criteria: GeneDx Variant Classification Process June 2021. Collection method: clinical testing. Allele origin: germline. Affected: yes.
Comment: Not observed at significant frequency in large population cohorts (gnomAD); In silico analysis supports that this missense variant has a deleterious effect on protein structure/function; Has not been previously published as pathogenic or benign to our knowledge

Ambry Genetics
Classification: Uncertain significance for Cardiovascular phenotype. Last evaluated: 2023-02-28. Review status: criteria provided, single submitter. Criteria: Ambry Variant Classification Scheme 2023. Collection method: clinical testing. Allele origin: germline.
Comment: The p.N473S variant (also known as c.1418A>G), located in coding exon 9 of the FLNC gene, results from an A to G substitution at nucleotide position 1418. The asparagine at codon 473 is replaced by serine, an amino acid with highly similar properties. This amino acid position is conserved. In addition, this alteration is predicted to be tolerated by in silico analysis. Since supporting evidence is limited at this time, the clinical significance of this alteration remains unclear.